The following is an entry in ClinVar:

ClinVar aggregate classification (germline): Uncertain significance (1 of 4 stars; one submission).

Submission:

Labcorp Genetics (formerly Invitae), Labcorp
Classification: Uncertain significance. Last evaluated: 2023-04-10. Review status: criteria provided, single submitter. Criteria: Invitae Variant Classification Sherloc (09022015). Collection method: clinical testing. Allele origin: germline.
Comment: In summary, the available evidence is currently insufficient to determine the role of this variant in disease. Therefore, it has been classified as a Variant of Uncertain Significance. An algorithm developed to predict the effect of missense changes on protein structure and function (PolyPhen-2) suggests that this variant is likely to be disruptive. This variant has not been reported in the literature in individuals affected with CDH2-related conditions. This variant is not present in population databases (gnomAD no frequency). This sequence change replaces alanine, which is neutral and non-polar, with valine, which is neutral and non-polar, at codon 843 of the CDH2 protein (p.Ala843Val).

NM_001792.5(CDH2):c.2528C>T (p.Ala843Val)

Genes: CDH2 (cadherin 2; minus strand), CDH2-AS1 (CDH2 antisense RNA 1; plus strand). Cytogenetic location: 18q12.1.
Variant type: single nucleotide variant.
Coding change: c.2528C>T on transcript NM_001792.5 (MANE Select); coding-DNA position 2528, C replaced by T.
Protein change: p.Ala843Val; replaces alanine 843 with valine.
Molecular consequence: missense variant.
Genome position (GRCh38, 1-based): chr18:27,952,346, G>A on the plus strand (C>T on the coding strand, the complement: CDH2 is on the minus strand). VCF-style: chr18-27952346-G-A. GRCh37 (hg19) VCF-style: chr18-25532310-G-A.
Other names: c.2435C>T, p.Ala812Val (NM_001308176.2); short protein forms A812V, A843V.
Identifiers: ClinVar variation 2854612 (VCV002854612.3), dbSNP rs2510768572, ClinGen allele CA402101621.